The following is an entry in ClinVar:

ClinVar aggregate classification (germline): Likely benign. Review status: criteria provided, multiple submitters, no conflicts (2 of 4 stars). 4 submissions from 4 submitters: Likely benign (3). 1 of the submissions does not count toward it. Last evaluated 2025-08-04.

Conditions:
Autosomal recessive nonsyndromic hearing loss 66 (DFNB66). Also called: Deafness, autosomal recessive 66. Identifiers: Orphanet 90636, MedGen C1857750, MONDO:0012442, OMIM 610212.
Isolated neonatal sclerosing cholangitis (NSC). Also called: Sclerosing cholangitis, neonatal. Identifiers: Orphanet 480556, MedGen C4479344, MONDO:0018816, OMIM 617394.
DCDC2-related disorder. Also called: DCDC2-related condition.

Allele frequency attached by ClinVar (database versions not stated): TOPMed 0.00007; gnomAD 0.00009; gnomAD exomes 0.00009; ExAC 0.00013; 1000 Genomes Project 30x 0.00031; ESP Exome Variant Server 0.00038; 1000 Genomes Project 0.00040.
gnomAD v4.1: 135 of 1,605,400 alleles (0.0084%); highest among the groups gnomAD compares: Middle Eastern, 0.017%; no homozygotes.

Submissions (4):

Labcorp Genetics (formerly Invitae), Labcorp
Classification: Likely benign for Autosomal recessive nonsyndromic hearing loss 66; Isolated neonatal sclerosing cholangitis. Last evaluated: 2025-08-04. Review status: criteria provided, single submitter. Criteria: Invitae Variant Classification Sherloc (09022015). Collection method: clinical testing. Allele origin: germline.

Laboratory of Genetics, Children's Clinical University Hospital Latvia
Classification: Likely benign. Last evaluated: 2025-02-16. Review status: criteria provided, single submitter. Criteria: ACMG Guidelines, 2015. Collection method: clinical testing. Allele origin: germline. Affected: yes.

Blueprint Genetics
Classification: Likely benign. Last evaluated: 2024-06-14. Review status: criteria provided, single submitter. Criteria: ACMG Guidelines, 2015. Collection method: clinical testing. Allele origin: germline.

PreventionGenetics, part of Exact Sciences
Classification: Likely benign for DCDC2-related condition. Last evaluated: 2024-01-03. Review status: no assertion criteria provided. Collection method: clinical testing. Allele origin: germline. Not counted in ClinVar's aggregate classification.
Comment: This variant is classified as likely benign based on ACMG/AMP sequence variant interpretation guidelines (Richards et al. 2015 PMID: 25741868, with internal and published modifications).

NM_016356.5(DCDC2):c.558-6C>T

Gene: DCDC2 (doublecortin domain containing 2; minus strand). Cytogenetic location: 6p22.3.
Variant type: single nucleotide variant.
Coding change: c.558-6C>T on transcript NM_016356.5 (MANE Select); 6 bases into the intron before coding-DNA position 558, C replaced by T.
Molecular consequence: intron variant.
Genome position (GRCh38, 1-based): chr6:24,291,084, G>A on the plus strand (C>T on the coding strand, the complement: DCDC2 is on the minus strand). VCF-style: chr6-24291084-G-A. GRCh37 (hg19) VCF-style: chr6-24291312-G-A.
Other names: c.558-6C>T (NM_001195610.2, NM_016356.4).
Identifiers: ClinVar variation 2056227 (VCV002056227.8), dbSNP rs45520331, ClinGen allele CA3654718.